The following is an entry in ClinVar:

NC_012920.1(MT-ATP6):m.9167T>C

Gene: MT-ATP6 (mitochondrially encoded ATP synthase 6; plus strand).
Variant type: single nucleotide variant.
Genome position: chrM-9167-T-C.
Identifiers: ClinVar variation 693114 (VCV000693114.1), dbSNP rs1603222143, ClinGen allele CA414802342.
Genomic context (GRCh38, chrMT:9,167, plus strand): 5'-CAATTCTAATTCTACTGACTATCCTAGAAATCGCTGTCGCCTTAATCCAAGCCTACGTTT[T>C]CACACTTCTAGTAAGCCTCTACCTGCACGACAACACATAATGACCCACCAATCACATGCC-3'

ClinVar aggregate classification (germline): Uncertain significance (1 of 4 stars; one submission).

Conditions:
Leigh syndrome (NULS). Also called: Leigh's necrotizing encephalopathy; Leigh's disease; Leigh Syndrome (mtDNA deletion); Leigh Disease; Subacute necrotizing encephalopathy; Necrotizing encephalopathy infantile subacute of Leigh. Identifiers: Orphanet 506, MedGen C2931891, MONDO:0009723, OMIM 256000.

Submission:

Wong Mito Lab, Molecular and Human Genetics, Baylor College of Medicine
Classification: Uncertain significance for Leigh syndrome. Last evaluated: 2019-10-17. Review status: criteria provided, single submitter. Criteria: Modified ACMG Guidelines (Unpublished). Collection method: clinical testing. Allele origin: germline.
Comment: The NC_012920.1:m.9167T>C (YP_003024031.1:p.Phe214Ser) variant in MTATP6 gene is interpretated to be a Uncertain Significance variant based on the modified ACMG guidelines (unpublished). This variant meets the following evidence codes: PP3, PP6, PP7